The following is an entry in ClinVar:

ClinVar aggregate classification (germline): Uncertain significance (1 of 4 stars; one submission).

Conditions:
Cardiovascular phenotype. Identifiers: MedGen CN230736.

Allele frequency attached by ClinVar (database versions not stated): TOPMed below 0.00001; ExAC 0.00001.
gnomAD v4.1: 5 of 1,614,172 alleles (0.00031%); highest among the groups gnomAD compares: Admixed American, 0.0083%; no homozygotes.

Submission:

Ambry Genetics
Classification: Uncertain significance for Cardiovascular phenotype. Last evaluated: 2026-06-09. Review status: criteria provided, single submitter. Criteria: Ambry Variant Classification Scheme 2023. Collection method: clinical testing. Allele origin: germline.
Comment: The p.K407N variant (also known as c.1221G>T), located in coding exon 10 of the LAMA4 gene, results from a G to T substitution at nucleotide position 1221. The lysine at codon 407 is replaced by asparagine, an amino acid with similar properties. This amino acid position is conserved. In addition, this alteration is predicted to be tolerated by in silico analysis. Based on the available evidence, the clinical significance of this variant remains unclear.

NM_001105206.3(LAMA4):c.1242G>T (p.Lys414Asn)

Gene: LAMA4 (laminin subunit alpha 4; minus strand). Cytogenetic location: 6q21.
Variant type: single nucleotide variant.
Coding change: c.1242G>T on transcript NM_001105206.3 (MANE Select); coding-DNA position 1242, G replaced by T.
Protein change: p.Lys414Asn; replaces lysine 414 with asparagine.
Molecular consequence: missense variant.
Genome position (GRCh38, 1-based): chr6:112,175,428, C>A on the plus strand (G>T on the coding strand, the complement: LAMA4 is on the minus strand). VCF-style: chr6-112175428-C-A. GRCh37 (hg19) VCF-style: chr6-112496630-C-A.
Other names: c.1221G>T, p.Lys407Asn (NM_001105207.3, NM_002290.5); short protein forms K414N, K407N.
Identifiers: ClinVar variation 2401399 (VCV002401399.3), dbSNP rs782518180, ClinGen allele CA3965822.
Genomic context (GRCh38, chr6:112,175,428, plus strand): 5'-TTGACGGCTTCTAATCTCTTCAAGCATCTTCTGGGCCAACACCAGCTTCTCAGAGATTTC[C>A]TTGGGGCTAAGTTCATGCTCTTCCCCATAATAGAGCATCTTGTTGTTGATCTCTGAAAGG-3'
Protein context (NP_001098676.2, residues 404-424): YYGEEHELSP[Lys414Asn]EISEKLVLAQ